The following is an entry in ClinVar:

ClinVar aggregate classification (germline): Uncertain significance. Review status: criteria provided, multiple submitters, no conflicts (2 of 4 stars). 2 submissions from 2 submitters: Uncertain significance (2). Last evaluated 2025-03-31.

Conditions:
Inborn genetic diseases. Identifiers: MedGen C0950123, MeSH D030342.
Nance-Horan syndrome (NHS). Identifiers: Orphanet 627, MedGen C0796085, MONDO:0010545, OMIM 302350.

Allele frequency attached by ClinVar (database versions not stated): ExAC 0.00001; gnomAD 0.00001; gnomAD exomes 0.00001; TOPMed 0.00003.
gnomAD v4.1: 12 of 1,210,178 alleles (0.00099%); highest among the groups gnomAD compares: Admixed American, 0.0065%; no homozygotes.

Submissions (2):

Labcorp Genetics (formerly Invitae), Labcorp
Classification: Uncertain significance for Nance-Horan syndrome. Last evaluated: 2025-03-31. Review status: criteria provided, single submitter. Criteria: Invitae Variant Classification Sherloc (09022015). Collection method: clinical testing. Allele origin: germline.
Comment: This sequence change replaces arginine, which is basic and polar, with glutamine, which is neutral and polar, at codon 231 of the NHS protein (p.Arg231Gln). The frequency data for this variant in the population databases is considered unreliable, as metrics indicate poor data quality at this position in the gnomAD database. This variant has not been reported in the literature in individuals affected with NHS-related conditions. ClinVar contains an entry for this variant (Variation ID: 1415422). Invitae Evidence Modeling of protein sequence and biophysical properties (such as structural, functional, and spatial information, amino acid conservation, physicochemical variation, residue mobility, and thermodynamic stability) indicates that this missense variant is not expected to disrupt NHS protein function with a negative predictive value of 80%. In summary, the available evidence is currently insufficient to determine the role of this variant in disease. Therefore, it has been classified as a Variant of Uncertain Significance.

Ambry Genetics
Classification: Uncertain significance for Inborn genetic diseases. Last evaluated: 2022-02-18. Review status: criteria provided, single submitter. Criteria: Ambry Variant Classification Scheme 2023. Collection method: clinical testing. Allele origin: germline.

NM_001291867.2(NHS):c.692G>A (p.Arg231Gln)

Gene: NHS (NHS actin remodeling regulator; plus strand). Cytogenetic location: Xp22.13.
Variant type: single nucleotide variant.
Coding change: c.692G>A on transcript NM_001291867.2 (MANE Select); coding-DNA position 692, G replaced by A.
Protein change: p.Arg231Gln; replaces arginine 231 with glutamine.
Molecular consequence: missense variant.
Genome position (GRCh38, 1-based): chrX:17,687,868, G>A. VCF-style: chrX-17687868-G-A. GRCh37 (hg19) VCF-style: chrX-17705988-G-A.
Other names: c.161G>A, p.Arg54Gln (NM_001136024.4, NM_001291868.2); c.692G>A, p.Arg231Gln (NM_198270.4); c.692G>A (NM_198270.2); short protein forms R54Q, R231Q.
Identifiers: ClinVar variation 1415422 (VCV001415422.7), dbSNP rs757440505, ClinGen allele CA10358512.